The following is an entry in ClinVar:

ClinVar aggregate classification (germline): Pathogenic. Review status: criteria provided, multiple submitters, no conflicts (2 of 4 stars). 2 submissions from 2 submitters: Pathogenic (2). Last evaluated 2023-03-13.

Conditions:
Duchenne muscular dystrophy (DMD). Also called: Duchenne Muscular Dystrophy (DMD); MUSCULAR DYSTROPHY, PSEUDOHYPERTROPHIC PROGRESSIVE, DUCHENNE TYPE. Identifiers: Orphanet 98896, MedGen C0013264, MONDO:0010679, OMIM 310200.

Submissions (2):

GeneDx
Classification: Pathogenic. Last evaluated: 2023-03-13. Review status: criteria provided, single submitter. Criteria: GeneDx Variant Classification Process June 2021. Collection method: clinical testing. Allele origin: germline. Affected: yes.
Comment: Nonsense variant predicted to result in protein truncation or nonsense mediated decay in a gene for which loss of function is a known mechanism of disease; Not observed at significant frequency in large population cohorts (gnomAD); Based on the understanding of this genetic alteration, it may be amenable to nonsense read-through therapy that is currently available or in clinical trial; This variant is associated with the following publications: (PMID: 21972111, 25525159, 27350676, 17726484, 20485447)

Mendelics
Classification: Pathogenic for Duchenne muscular dystrophy. Last evaluated: 2019-05-28. Review status: criteria provided, single submitter. Criteria: Mendelics Assertion Criteria 2017. Collection method: clinical testing. Allele origin: unknown.

NM_004006.3(DMD):c.8460G>A (p.Trp2820Ter)

Gene: DMD (dystrophin; minus strand). Cytogenetic location: Xp21.2.
Variant type: single nucleotide variant.
Coding change: c.8460G>A on transcript NM_004006.3 (MANE Select); coding-DNA position 8460, G replaced by A.
Protein change: p.Trp2820Ter; replaces tryptophan 2820 with a stop codon.
Molecular consequence: nonsense.
Genome position (GRCh38, 1-based): chrX:31,496,875, C>T on the plus strand (G>A on the coding strand, the complement: DMD is on the minus strand). VCF-style: chrX-31496875-C-T. GRCh37 (hg19) VCF-style: chrX-31514992-C-T.
Other names: c.8436G>A, p.Trp2812Ter (NM_000109.4); c.8448G>A, p.Trp2816Ter (NM_004009.3); c.8091G>A, p.Trp2697Ter (NM_004010.3); c.4437G>A, p.Trp1479Ter (NM_004011.4); c.4428G>A, p.Trp1476Ter (NM_004012.4); c.1080G>A, p.Trp360Ter (NM_004013.3, NM_004020.4, NM_004021.3 and 2 more transcripts); c.273G>A, p.Trp91Ter (NM_004014.3); short protein forms W2816*, W2820*, W360*, W91*, W1476*, W2812*, W1479*, W2697*.
Identifiers: ClinVar variation 803821 (VCV000803821.3), dbSNP rs1603264641, ClinGen allele CA412655543.
Genomic context (GRCh38, chrX:31,496,875, plus strand): 5'-TGCTGGAAAGTCGCCTCCAATAGGTGCCTGCCGGCTTAATTCATCATCTTTCAGCTGTAG[C>T]CACACCAGAAGTTCCTGCAGAGAAAGGTGCAGACGCTTCCACTGGTCAGAACTGGCTTCC-3'